The following is an entry in ClinVar:

ClinVar aggregate classification (germline): Benign/Likely benign. Review status: criteria provided, multiple submitters, no conflicts (2 of 4 stars). 5 submissions from 5 submitters: Benign (1); Likely benign (3). 1 of the submissions does not count toward it. Last evaluated 2025-11-06.

Conditions:
Tuberous sclerosis 2 (TSC2). Identifiers: Orphanet 805, MedGen C1860707, MONDO:0013199, OMIM 613254.
Tuberous sclerosis syndrome (TSC). Also called: Tuberous Sclerosis Complex; Tuberous sclerosis. Identifiers: Orphanet 805, MedGen C0041341, MONDO:0001734.

Allele frequency attached by ClinVar (database versions not stated): ExAC 0.00001; gnomAD exomes 0.00001; gnomAD 0.00002; TOPMed 0.00002.
gnomAD v4.1: 35 of 1,612,876 alleles (0.0022%); highest among the groups gnomAD compares: African/African-American, 0.004%; no homozygotes.

Submissions (5):

Labcorp Genetics (formerly Invitae), Labcorp
Classification: Likely benign for Tuberous sclerosis 2. Last evaluated: 2025-11-06. Review status: criteria provided, single submitter. Criteria: Invitae Variant Classification Sherloc (09022015). Collection method: clinical testing. Allele origin: germline.

Myriad Genetics, Inc.
Classification: Likely benign for Tuberous sclerosis 2. Last evaluated: 2025-06-06. Review status: criteria provided, single submitter. Criteria: Myriad Autosomal Dominant, Autosomal Recessive and X-Linked Classification Criteria (2023). Collection method: clinical testing. Allele origin: unknown.
Comment: This variant is considered likely benign. This variant is intronic and is not expected to impact mRNA splicing.

Genome-Nilou Lab
Classification: Benign for Tuberous sclerosis 2. Last evaluated: 2021-11-07. Review status: criteria provided, single submitter. Criteria: ACMG Guidelines, 2015. Collection method: clinical testing. Allele origin: germline. Affected: no.

GeneDx
Classification: Likely benign. Last evaluated: 2017-07-21. Review status: criteria provided, single submitter. Criteria: GeneDx Variant Classification (06012015). Collection method: clinical testing. Allele origin: germline. Affected: yes.
Comment: This variant is considered likely benign or benign based on one or more of the following criteria: it is a conservative change, it occurs at a poorly conserved position in the protein, it is predicted to be benign by multiple in silico algorithms, and/or has population frequency not consistent with disease.

Tuberous sclerosis database (TSC2)
No classification provided. Condition: TSC. Review status: no classification provided. Criteria: Tuberous Sclerosis Database Assertion Criteria 2015. Collection method: curation. Allele origin: germline. Affected: yes. Not counted in ClinVar's aggregate classification.

NM_000548.5(TSC2):c.5160+7G>C

Gene: TSC2 (TSC complex subunit 2; plus strand). Cytogenetic location: 16p13.3.
Variant type: single nucleotide variant.
Coding change: c.5160+7G>C on transcript NM_000548.5 (MANE Select); 7 bases into the intron after coding-DNA position 5160, G replaced by C.
Molecular consequence: intron variant.
Genome position (GRCh38, 1-based): chr16:2,088,146, G>C. VCF-style: chr16-2088146-G-C. GRCh37 (hg19) VCF-style: chr16-2138147-G-C.
Other names: c.5091+7G>C (NM_001114382.3); c.5031+7G>C (NM_021055.3, NM_001370405.1); c.4962+7G>C (NM_001363528.2); c.5028+7G>C (NM_001370404.1); c.4959+7G>C (NM_001077183.3); c.4851+7G>C (NM_001318827.2); c.4428+7G>C (NM_001318831.2); c.4815+7G>C (NM_001318829.2); and 1 more.
Identifiers: ClinVar variation 49355 (VCV000049355.13), dbSNP rs45506600, ClinGen allele CA021982.